The following is an entry in ClinVar:

Conditions:
Long QT syndrome 5 (LQT5). Identifiers: Orphanet 101016, Orphanet 768, MedGen C1867904, MONDO:0013372, OMIM 613695.

Submission:

Roden Lab, Vanderbilt University Medical Center
No classification provided (evidence only). Condition: Long QT syndrome 5. Review status: no classification provided. Collection method: in vitro. Allele origin: not applicable. Functional consequence: Effect on ion channel function.
ClinVar note: "not provided" was previously submitted as the classification for the variant. However, the classification appeared to be based only on an observation of functional data so it was converted to no classification on 2025-07-30.

NM_000219.6(KCNE1):c.171C>T (p.Phe57=)

Gene: KCNE1 (potassium voltage-gated channel subfamily E regulatory subunit 1; minus strand). Cytogenetic location: 21q22.12.
Variant type: single nucleotide variant.
Coding change: c.171C>T on transcript NM_000219.6 (MANE Select); coding-DNA position 171, C replaced by T.
Protein change: p.Phe57=; no amino-acid change (phenylalanine 57 retained).
Molecular consequence: synonymous variant.
Genome position (GRCh38, 1-based): chr21:34,449,464, G>A on the plus strand (C>T on the coding strand, the complement: KCNE1 is on the minus strand). VCF-style: chr21-34449464-G-A. GRCh37 (hg19) VCF-style: chr21-35821762-G-A.
Other names: c.171C>T, p.Phe57= (NM_001127668.4, NM_001127669.4, NM_001127670.4 and 4 more transcripts).
Identifiers: ClinVar variation 3374240 (VCV003374240.2).
Genomic context (GRCh38, chr21:34,449,464, plus strand): 5'-TGGGTCGTTCGAGTGCTCCAGCTTCTTGGAGCGGATGTAGCTCAGCATGATGCCCAGGGT[G>A]AAGAAGCCGAAGAATCCCAGTACCATGAGGACGTAGAGGGCCTCCAGCTTGCCGTCACTG-3'
Protein context (NP_000210.2, residues 47-67): VLMVLGFFGF[Phe57=]TLGIMLSYIR